The following is an entry in ClinVar:

NM_000548.5(TSC2):c.4663-8C>T

Gene: TSC2 (TSC complex subunit 2; plus strand). Cytogenetic location: 16p13.3.
Variant type: single nucleotide variant.
Coding change: c.4663-8C>T on transcript NM_000548.5 (MANE Select); 8 bases into the intron before coding-DNA position 4663, C replaced by T.
Molecular consequence: intron variant.
Genome position (GRCh38, 1-based): chr16:2,086,185, C>T. VCF-style: chr16-2086185-C-T. GRCh37 (hg19) VCF-style: chr16-2136186-C-T.
Other names: c.4594-8C>T (NM_001114382.3); c.4534-8C>T (NM_021055.3, NM_001370405.1); c.4465-8C>T (NM_001363528.2); c.4531-8C>T (NM_001370404.1); c.4462-8C>T (NM_001077183.3); c.4354-8C>T (NM_001318827.2); c.3931-8C>T (NM_001318831.2); c.4318-8C>T (NM_001318829.2); and 2 more.
Identifiers: ClinVar variation 766464 (VCV000766464.12), dbSNP rs753947985, ClinGen allele CA052254.
Genomic context (GRCh38, chr16:2,086,185, plus strand): 5'-CCCCACCCTCTGCGGGGCAGGGCCCGGCCCGGGAGTGATGCCACCCTGCCTCTCCCCTCT[C>T]CCCACAGAGCAACAGCGAGCTCGCCATCCTGTCCAATGAGCATGGCTCCTACAGGTACAC-3'

ClinVar aggregate classification (germline): Likely benign. Review status: criteria provided, multiple submitters, no conflicts (2 of 4 stars). 3 submissions from 3 submitters: Likely benign (2). 1 of the submissions does not count toward it. Last evaluated 2025-10-01.

Conditions:
TSC2-related disorder. Also called: TSC2-Related Disorders; TSC2-related condition.
Tuberous sclerosis 2 (TSC2). Identifiers: Orphanet 805, MedGen C1860707, MONDO:0013199, OMIM 613254.

Allele frequency attached by ClinVar (database versions not stated): gnomAD exomes below 0.00001.
gnomAD v4.1: 27 of 1,612,030 alleles (0.0017%); highest among the groups gnomAD compares: Non-Finnish European, 0.0022%; no homozygotes.

Submissions (3):

Labcorp Genetics (formerly Invitae), Labcorp
Classification: Likely benign for Tuberous sclerosis 2. Last evaluated: 2025-10-01. Review status: criteria provided, single submitter. Criteria: Invitae Variant Classification Sherloc (09022015). Collection method: clinical testing. Allele origin: germline.

Myriad Genetics, Inc.
Classification: Likely benign for Tuberous sclerosis 2. Last evaluated: 2025-06-04. Review status: criteria provided, single submitter. Criteria: Myriad Autosomal Dominant, Autosomal Recessive and X-Linked Classification Criteria (2023). Collection method: clinical testing. Allele origin: unknown.
Comment: This variant is considered likely benign. This variant is intronic and is not expected to impact mRNA splicing.

PreventionGenetics, part of Exact Sciences
Classification: Likely benign for TSC2-related condition. Last evaluated: 2024-05-21. Review status: no assertion criteria provided. Collection method: clinical testing. Allele origin: germline. Not counted in ClinVar's aggregate classification.
Comment: This variant is classified as likely benign based on ACMG/AMP sequence variant interpretation guidelines (Richards et al. 2015 PMID: 25741868, with internal and published modifications).